The following is an entry in ClinVar:

NM_025179.4(PLXNA2):c.106C>G (p.Pro36Ala)

Gene: PLXNA2 (plexin A2; minus strand). Cytogenetic location: 1q32.2.
Variant type: single nucleotide variant.
Coding change: c.106C>G on transcript NM_025179.4 (MANE Select); coding-DNA position 106, C replaced by G.
Protein change: p.Pro36Ala; replaces proline 36 with alanine.
Molecular consequence: missense variant.
Genome position (GRCh38, 1-based): chr1:208,217,817, G>C on the plus strand (C>G on the coding strand, the complement: PLXNA2 is on the minus strand). VCF-style: chr1-208217817-G-C. GRCh37 (hg19) VCF-style: chr1-208391162-G-C.
Other names: short protein forms P36A.
Identifiers: ClinVar variation 4988586 (VCV004988586.1).

ClinVar aggregate classification (germline): Uncertain significance (1 of 4 stars; one submission).

Conditions:
PLXNA2-related disorder. Also called: PLXNA2-related condition.

Submission:

PreventionGenetics, part of Exact Sciences
Classification: Uncertain significance for PLXNA2-related condition. Last evaluated: 2026-04-28. Review status: criteria provided, single submitter. Criteria: ACMG Guidelines, 2015. Collection method: clinical testing. Allele origin: germline.
Comment: The PLXNA2 c.106C>G variant is predicted to result in the amino acid substitution p.Pro36Ala. To our knowledge, this variant has not been reported in the literature or in a large population database (gnomAD), indicating this variant is rare. At this time, the clinical significance of this variant is uncertain due to the absence of conclusive functional and genetic evidence.